The following is an entry in ClinVar:

NM_001904.4(CTNNB1):c.1312G>C (p.Val438Leu)

Genes: CTNNB1 (catenin beta 1; plus strand), LOC126806659 (BRD4-independent group 4 enhancer GRCh37_chr3:41274918-41276117; plus strand). Cytogenetic location: 3p22.1.
Variant type: single nucleotide variant.
Coding change: c.1312G>C on transcript NM_001904.4 (MANE Select); coding-DNA position 1312, G replaced by C.
Protein change: p.Val438Leu; replaces valine 438 with leucine.
Molecular consequence: missense variant.
Genome position (GRCh38, 1-based): chr3:41,233,655, G>C. VCF-style: chr3-41233655-G-C. GRCh37 (hg19) VCF-style: chr3-41275146-G-C.
Other names: c.1312G>C, p.Val438Leu (NM_001098209.2, NM_001098210.2); c.1291G>C, p.Val431Leu (NM_001330729.2); short protein forms V431L, V438L.
Identifiers: ClinVar variation 1699567 (VCV001699567.2), dbSNP rs2125639457, ClinGen allele CA352232997.

ClinVar aggregate classification (germline): Uncertain significance (1 of 4 stars; one submission).

Submission:

GeneDx
Classification: Uncertain significance. Last evaluated: 2022-02-01. Review status: criteria provided, single submitter. Criteria: GeneDx Variant Classification Process June 2021. Collection method: clinical testing. Allele origin: germline. Affected: yes.
Comment: Not observed at significant frequency in large population cohorts (gnomAD); In silico analysis supports that this missense variant has a deleterious effect on protein structure/function; Has not been previously published as pathogenic or benign to our knowledge